The following is an entry in ClinVar:

ClinVar aggregate classification (germline): Uncertain significance (1 of 4 stars; one submission).

Allele frequency attached by ClinVar (database versions not stated): gnomAD exomes below 0.00001; TOPMed below 0.00001; gnomAD 0.00001.
gnomAD v4.1: 5 of 1,614,088 alleles (0.00031%); highest among the groups gnomAD compares: Non-Finnish European, 0.00042%; no homozygotes.

Submission:

Labcorp Genetics (formerly Invitae), Labcorp
Classification: Uncertain significance. Last evaluated: 2024-02-24. Review status: criteria provided, single submitter. Criteria: Invitae Variant Classification Sherloc (09022015). Collection method: clinical testing. Allele origin: germline.
Comment: This sequence change replaces lysine, which is basic and polar, with arginine, which is basic and polar, at codon 244 of the CNGA3 protein (p.Lys244Arg). This variant is present in population databases (no rsID available, gnomAD 0.007%). This variant has not been reported in the literature in individuals affected with CNGA3-related conditions. ClinVar contains an entry for this variant (Variation ID: 1345590). Advanced modeling of protein sequence and biophysical properties (such as structural, functional, and spatial information, amino acid conservation, physicochemical variation, residue mobility, and thermodynamic stability) performed at Invitae indicates that this missense variant is not expected to disrupt CNGA3 protein function with a negative predictive value of 95%. In summary, the available evidence is currently insufficient to determine the role of this variant in disease. Therefore, it has been classified as a Variant of Uncertain Significance.

NM_001298.3(CNGA3):c.731A>G (p.Lys244Arg)

Gene: CNGA3 (cyclic nucleotide gated channel subunit alpha 3; plus strand). Cytogenetic location: 2q11.2.
Variant type: single nucleotide variant.
Coding change: c.731A>G on transcript NM_001298.3 (MANE Select); coding-DNA position 731, A replaced by G.
Protein change: p.Lys244Arg; replaces lysine 244 with arginine.
Molecular consequence: missense variant.
Genome position (GRCh38, 1-based): chr2:98,395,901, A>G. VCF-style: chr2-98395901-A-G. GRCh37 (hg19) VCF-style: chr2-99012364-A-G.
Other names: c.677A>G, p.Lys226Arg (NM_001079878.2); short protein forms K226R, K244R.
Identifiers: ClinVar variation 1345590 (VCV001345590.7), dbSNP rs1326906124, ClinGen allele CA347832031.